The following is an entry in ClinVar:

ClinVar aggregate classification (germline): Uncertain significance (1 of 4 stars; one submission).

Conditions:
ACTN1-related disorder. Also called: ACTN1-related condition.

gnomAD v4.1: 1 of 1,613,088 alleles (0.000062%); highest among the groups gnomAD compares: Non-Finnish European, 0.000085%; no homozygotes.

Submission:

PreventionGenetics, part of Exact Sciences
Classification: Uncertain significance for ACTN1-related condition. Last evaluated: 2024-12-16. Review status: criteria provided, single submitter. Criteria: ACMG Guidelines, 2015. Collection method: clinical testing. Allele origin: germline.
Comment: The ACTN1 c.2588A>G variant is predicted to result in the amino acid substitution p.Asn863Ser. To our knowledge, this variant has not been reported in the literature. This variant is reported in 0.00089% of alleles in individuals of European (non-Finnish) descent in gnomAD. At this time, the clinical significance of this variant is uncertain due to the absence of conclusive functional and genetic evidence.

NM_001130004.2(ACTN1):c.2588A>G (p.Asn863Ser)

Gene: ACTN1 (actinin alpha 1; minus strand). Cytogenetic location: 14q24.1.
Variant type: single nucleotide variant.
Coding change: c.2588A>G on transcript NM_001130004.2 (MANE Select); coding-DNA position 2588, A replaced by G.
Protein change: p.Asn863Ser; replaces asparagine 863 with serine.
Molecular consequence: missense variant.
Genome position (GRCh38, 1-based): chr14:68,875,016, T>C on the plus strand (A>G on the coding strand, the complement: ACTN1 is on the minus strand). VCF-style: chr14-68875016-T-C. GRCh37 (hg19) VCF-style: chr14-69341733-T-C.
Other names: c.2522A>G, p.Asn841Ser (NM_001102.4); c.2507A>G, p.Asn836Ser (NM_001130005.2); c.2531A>G, p.Asn844Ser (NM_001411035.1); c.2327A>G, p.Asn776Ser (NM_001411036.1, NM_001424026.1); c.2651A>G, p.Asn884Ser (NM_001424012.1); c.2648A>G, p.Asn883Ser (NM_001424013.1); c.2636A>G, p.Asn879Ser (NM_001424014.1); c.2609A>G, p.Asn870Ser (NM_001424015.1); and 14 more; short protein forms N753S, N775S, N818S, N820S, N828S, N841S, N884S, N776S.
Identifiers: ClinVar variation 4999475 (VCV004999475.1).
Genomic context (GRCh38, chr14:68,875,016, plus strand): 5'-ATGCAGTACTCAGCCTGGTCGGGTGGCAGCTCGCGGCGCAGCTCGTCCATGGTAATGTAG[T>C]TCTGCGAGGAGAGAGTGGTCAGGAAGGCCGCAAAGTCCAGCAGCCGTAAAGCGGCGCGGC-3'
Protein context (NP_001123476.1, residues 853-873): ASFKILAGDK[Asn863Ser]YITMDELRRE